The following is an entry in ClinVar:

ClinVar aggregate classification (germline): Uncertain significance (1 of 4 stars; one submission).

Conditions:
Immunodeficiency, common variable, 10. Also called: IMMUNODEFICIENCY, COMMON VARIABLE, WITH CENTRAL ADRENAL INSUFFICIENCY; DEFICIT IN ANTERIOR PITUITARY FUNCTION AND VARIABLE IMMUNODEFICIENCY. Identifiers: MedGen C3809991, MONDO:0014260, OMIM 615577.

gnomAD v4.1: 7 of 1,610,216 alleles (0.00043%); highest among the groups gnomAD compares: African/African-American, 0.0027%; no homozygotes.

Submission:

Labcorp Genetics (formerly Invitae), Labcorp
Classification: Uncertain significance for Immunodeficiency, common variable, 10. Last evaluated: 2025-09-13. Review status: criteria provided, single submitter. Criteria: Invitae Variant Classification Sherloc (09022015). Collection method: clinical testing. Allele origin: germline.
Comment: This sequence change replaces arginine, which is basic and polar, with cysteine, which is neutral and slightly polar, at codon 160 of the NFKB2 protein (p.Arg160Cys). This variant is present in population databases (rs370999183, gnomAD 0.007%). This variant has not been reported in the literature in individuals affected with NFKB2-related conditions. An algorithm developed to predict the effect of missense changes on protein structure and function (PolyPhen-2) suggests that this variant is likely to be disruptive. In summary, the available evidence is currently insufficient to determine the role of this variant in disease. Therefore, it has been classified as a Variant of Uncertain Significance.

NM_001322934.2(NFKB2):c.478C>T (p.Arg160Cys)

Gene: NFKB2 (nuclear factor kappa B subunit 2; plus strand). Cytogenetic location: 10q24.32.
Variant type: single nucleotide variant.
Coding change: c.478C>T on transcript NM_001322934.2 (MANE Select); coding-DNA position 478, C replaced by T.
Protein change: p.Arg160Cys; replaces arginine 160 with cysteine.
Molecular consequence: missense variant.
Genome position (GRCh38, 1-based): chr10:102,397,384, C>T. VCF-style: chr10-102397384-C-T. GRCh37 (hg19) VCF-style: chr10-104157141-C-T.
Other names: c.478C>T, p.Arg160Cys (NM_001077494.3, NM_001261403.3, NM_001288724.1 and 2 more transcripts); short protein forms R160C.
Identifiers: ClinVar variation 4807787 (VCV004807787.1).
Genomic context (GRCh38, chr10:102,397,384, plus strand): 5'-CATGTGACTAAGAAGAACATGATGGGGACTATGATACAAAAACTTCAGAGGCAGCGGCTC[C>T]GCTCTAGGCCCCAGGGCCTTACGGGTATGGGTGCAGGGGGTGGGTCGGGTATGGGTGCAG-3'
Protein context (NP_001309863.1, residues 150-170): MIQKLQRQRL[Arg160Cys]SRPQGLTEAE